The following is an entry in ClinVar:

ClinVar aggregate classification (germline): Likely benign. Review status: criteria provided, multiple submitters, no conflicts (2 of 4 stars). 3 submissions from 3 submitters: Likely benign (3). Last evaluated 2025-08-29.

Conditions:
Familial cancer of breast. Also called: hereditary breast carcinoma; BREAST CANCER, FAMILIAL; Hereditary breast cancer. Identifiers: Orphanet 227535, MedGen C0346153, MONDO:0016419, OMIM 114480. Disease mechanism: loss of function.
Ataxia-telangiectasia syndrome (AT). Also called: ATAXIA-TELANGIECTASIA, COMPLEMENTATION GROUP A; ATAXIA-TELANGIECTASIA, FRESNO VARIANT; Ataxia-telangiectasia; Ataxia-telangiectasia, complementation group D; AT, COMPLEMENTATION GROUP C; Ataxia-telangiectasia, complementation group E. Identifiers: Orphanet 100, MedGen C0004135, MONDO:0008840, OMIM 208900.

gnomAD v4.1: 1 of 1,612,390 alleles (0.000062%); highest among the groups gnomAD compares: Non-Finnish European, 0.000085%; no homozygotes.

Submissions (3):

Labcorp Genetics (formerly Invitae), Labcorp
Classification: Likely benign for Ataxia-telangiectasia syndrome. Last evaluated: 2025-08-29. Review status: criteria provided, single submitter. Criteria: Invitae Variant Classification Sherloc (09022015). Collection method: clinical testing. Allele origin: germline.

Myriad Genetics, Inc.
Classification: Likely benign for Familial cancer of breast. Last evaluated: 2024-05-15. Review status: criteria provided, single submitter. Criteria: Myriad Autosomal Dominant, Autosomal Recessive and X-Linked Classification Criteria (2023). Collection method: clinical testing. Allele origin: unknown.
Comment: This variant is considered likely benign. This variant is intronic and is not expected to impact mRNA splicing.

GeneDx
Classification: Likely benign. Last evaluated: 2018-02-09. Review status: criteria provided, single submitter. Criteria: GeneDx Variant Classification (06012015). Collection method: clinical testing. Allele origin: germline. Affected: yes.
Comment: This variant is considered likely benign or benign based on one or more of the following criteria: it is a conservative change, it occurs at a poorly conserved position in the protein, it is predicted to be benign by multiple in silico algorithms, and/or has population frequency not consistent with disease.

NM_000051.4(ATM):c.3577-8T>C

Gene: ATM (ATM serine/threonine kinase; plus strand). Cytogenetic location: 11q22.3.
Variant type: single nucleotide variant.
Coding change: c.3577-8T>C on transcript NM_000051.4 (MANE Select); 8 bases into the intron before coding-DNA position 3577, T replaced by C.
Molecular consequence: intron variant.
Genome position (GRCh38, 1-based): chr11:108,282,702, T>C. VCF-style: chr11-108282702-T-C. GRCh37 (hg19) VCF-style: chr11-108153429-T-C.
Other names: c.3577-8T>C (NM_001351834.2).
Identifiers: ClinVar variation 515464 (VCV000515464.5), dbSNP rs1555092222, ClinGen allele CA658795355.